The following is an entry in ClinVar:

ClinVar aggregate classification (germline): Uncertain significance (1 of 4 stars; one submission).

Submission:

Labcorp Genetics (formerly Invitae), Labcorp
Classification: Uncertain significance. Last evaluated: 2026-01-30. Review status: criteria provided, single submitter. Criteria: Invitae Variant Classification Sherloc (09022015). Collection method: clinical testing. Allele origin: germline.
Comment: This sequence change replaces threonine, which is neutral and polar, with serine, which is neutral and polar, at codon 188 of the IL6ST protein (p.Thr188Ser). This variant is not present in population databases (gnomAD no frequency). This variant has not been reported in the literature in individuals affected with IL6ST-related conditions. An algorithm developed to predict the effect of missense changes on protein structure and function (PolyPhen-2) suggests that this variant is likely to be tolerated. In summary, the available evidence is currently insufficient to determine the role of this variant in disease. Therefore, it has been classified as a Variant of Uncertain Significance.

NM_002184.4(IL6ST):c.562A>T (p.Thr188Ser)

Gene: IL6ST (interleukin 6 cytokine family signal transducer; minus strand). Cytogenetic location: 5q11.2.
Variant type: single nucleotide variant.
Coding change: c.562A>T on transcript NM_002184.4 (MANE Select); coding-DNA position 562, A replaced by T.
Protein change: p.Thr188Ser; replaces threonine 188 with serine.
Molecular consequence: missense variant. On other transcripts: non-coding transcript variant (2), 5 prime UTR variant (3).
Genome position (GRCh38, 1-based): chr5:55,964,242, T>A on the plus strand (A>T on the coding strand, the complement: IL6ST is on the minus strand). VCF-style: chr5-55964242-T-A. GRCh37 (hg19) VCF-style: chr5-55260070-T-A.
Other names: c.562A>T, p.Thr188Ser (NM_175767.3, NM_001190981.2, NM_001364275.2); c.352A>T, p.Thr118Ser (NM_001364276.2); c.-352A>T (NM_001364277.2, NM_001364279.2); c.-342A>T (NM_001364278.2); short protein forms T188S, T118S.
Identifiers: ClinVar variation 4764803 (VCV004764803.1).